The following is an entry in ClinVar:

NM_000093.5(COL5A1):c.298T>G (p.Phe100Val)

Gene: COL5A1 (collagen type V alpha 1 chain; plus strand). Cytogenetic location: 9q34.3.
Variant type: single nucleotide variant.
Coding change: c.298T>G on transcript NM_000093.5 (MANE Select); coding-DNA position 298, T replaced by G.
Protein change: p.Phe100Val; replaces phenylalanine 100 with valine.
Molecular consequence: missense variant.
Genome position (GRCh38, 1-based): chr9:134,699,929, T>G. VCF-style: chr9-134699929-T-G. GRCh37 (hg19) VCF-style: chr9-137591775-T-G.
Other names: p.F100V:TTC>GTC; c.298T>G, p.Phe100Val (NM_001278074.1); short protein forms F100V.
Identifiers: ClinVar variation 213009 (VCV000213009.10), dbSNP rs761639579, ClinGen allele CA323764.

ClinVar aggregate classification (germline): Uncertain significance. Review status: criteria provided, multiple submitters, no conflicts (2 of 4 stars). 2 submissions from 2 submitters: Uncertain significance (2). Last evaluated 2025-03-04.

Conditions:
Ehlers-Danlos syndrome, classic type, 1 (EDSCL1). Also called: Ehlers-Danlos Syndrome, Classic Type, COL5A1-Related; EHLERS-DANLOS SYNDROME, GRAVIS TYPE; EHLERS-DANLOS SYNDROME, SEVERE CLASSIC TYPE; Ehlers-Danlos syndrome, type 1; EDS I. Identifiers: MedGen C0268335, MONDO:0019567, OMIM 130000.

Allele frequency attached by ClinVar (database versions not stated): gnomAD exomes below 0.00001 and 0.00002; ExAC 0.00003; TOPMed 0.00001; gnomAD 0.00001.
gnomAD v4.1: 6 of 1,613,922 alleles (0.00037%); highest among the groups gnomAD compares: Non-Finnish European, 0.00051%; no homozygotes.

Submissions (2):

Labcorp Genetics (formerly Invitae), Labcorp
Classification: Uncertain significance for Ehlers-Danlos syndrome, classic type, 1. Last evaluated: 2025-03-04. Review status: criteria provided, single submitter. Criteria: Invitae Variant Classification Sherloc (09022015). Collection method: clinical testing. Allele origin: germline.
Comment: This sequence change replaces phenylalanine, which is neutral and non-polar, with valine, which is neutral and non-polar, at codon 100 of the COL5A1 protein (p.Phe100Val). This variant is present in population databases (rs761639579, gnomAD 0.004%). This variant has not been reported in the literature in individuals affected with COL5A1-related conditions. ClinVar contains an entry for this variant (Variation ID: 213009). Invitae Evidence Modeling of protein sequence and biophysical properties (such as structural, functional, and spatial information, amino acid conservation, physicochemical variation, residue mobility, and thermodynamic stability) has been performed for this missense variant. However, the output from this modeling did not meet the statistical confidence thresholds required to predict the impact of this variant on COL5A1 protein function. In summary, the available evidence is currently insufficient to determine the role of this variant in disease. Therefore, it has been classified as a Variant of Uncertain Significance.

GeneDx
Classification: Uncertain significance. Last evaluated: 2017-11-01. Review status: criteria provided, single submitter. Criteria: GeneDx Variant Classification (06012015). Collection method: clinical testing. Allele origin: germline. Affected: yes.
Comment: The F100V variant has not been published as a mutation, nor has it been reported as a benign polymorphism to our knowledge. The F100V variant was not observed in approximately 6,500 individuals of European and African American ancestry in the NHLBI Exome Sequencing Project, indicating it is not a common benign variant in these populations. The F100V variant is a semi-conservative amino acid substitution, which may impact secondary protein structure as these residues differ in some properties. This substitution occurs at a position within the Laminin G-like domain that is conserved across species. In silico analysis predicts this variant is probably damaging to the protein structure/function. Nevertheless, the vast majority of pathogenic mutations in COL5A1 either lead to premature termination of protein translation or alter Glycine residues in the conserved triple helical Gly-X-Y motifs. No missense mutations in nearby residues have been reported in association with Ehlers-Danlos syndrome, indicating that this region of the protein may be tolerant of change. Therefore, based on the currently available information, it is unclear whether this variant is a pathogenic mutation or a rare benign variant.